The following is an entry in ClinVar:

NM_000321.3(RB1):c.1082A>C (p.Asn361Thr)

Gene: RB1 (RB transcriptional corepressor 1; plus strand). Cytogenetic location: 13q14.2.
Variant type: single nucleotide variant.
Coding change: c.1082A>C on transcript NM_000321.3 (MANE Select); coding-DNA position 1082, A replaced by C.
Protein change: p.Asn361Thr; replaces asparagine 361 with threonine.
Molecular consequence: missense variant.
Genome position (GRCh38, 1-based): chr13:48,368,559, A>C. VCF-style: chr13-48368559-A-C. GRCh37 (hg19) VCF-style: chr13-48942695-A-C.
Other names: c.1082A>C, p.Asn361Thr (NM_001407165.1, NM_001407166.1); short protein forms N361T.
Identifiers: ClinVar variation 1786706 (VCV001786706.2), dbSNP rs2138123269, ClinGen allele CA388161193.

ClinVar aggregate classification (germline): Uncertain significance (1 of 4 stars; one submission).

Conditions:
Hereditary cancer-predisposing syndrome. Also called: Neoplastic Syndromes, Hereditary; Tumor predisposition; Hereditary Cancer Syndrome; Hereditary neoplastic syndrome. Identifiers: Orphanet 140162, MedGen C0027672, MeSH D009386, MONDO:0015356.

Submission:

Ambry Genetics
Classification: Uncertain significance for Hereditary cancer-predisposing syndrome. Last evaluated: 2021-09-30. Review status: criteria provided, single submitter. Criteria: Ambry Variant Classification Scheme 2023. Collection method: clinical testing. Allele origin: germline.
Comment: The p.N361T variant (also known as c.1082A>C), located in coding exon 11 of the RB1 gene, results from an A to C substitution at nucleotide position 1082. The asparagine at codon 361 is replaced by threonine, an amino acid with similar properties. This amino acid position is not well conserved in available vertebrate species. In addition, this alteration is predicted to be tolerated by in silico analysis. Since supporting evidence is limited at this time, the clinical significance of this alteration remains unclear.